The following is an entry in ClinVar:

NM_001286577.2(C2CD3):c.4568T>C (p.Leu1523Pro)

Gene: C2CD3 (C2 domain containing 3 centriole elongation regulator; minus strand). Cytogenetic location: 11q13.4.
Variant type: single nucleotide variant.
Coding change: c.4568T>C on transcript NM_001286577.2 (MANE Select); coding-DNA position 4568, T replaced by C.
Protein change: p.Leu1523Pro; replaces leucine 1523 with proline.
Molecular consequence: missense variant.
Genome position (GRCh38, 1-based): chr11:74,078,150, A>G on the plus strand (T>C on the coding strand, the complement: C2CD3 is on the minus strand). VCF-style: chr11-74078150-A-G. GRCh37 (hg19) VCF-style: chr11-73789195-A-G.
Other names: c.4568T>C, p.Leu1523Pro (NM_015531.6); short protein forms L1523P.
Identifiers: ClinVar variation 1498274 (VCV001498274.4), dbSNP rs764966083, ClinGen allele CA6182124.

ClinVar aggregate classification (germline): Uncertain significance (1 of 4 stars; one submission).

Allele frequency attached by ClinVar (database versions not stated): ExAC 0.00002; gnomAD 0.00017.
gnomAD v4.1: 78 of 1,613,726 alleles (0.0048%); highest among the groups gnomAD compares: Admixed American, 0.055%; no homozygotes.

Submission:

Labcorp Genetics (formerly Invitae), Labcorp
Classification: Uncertain significance. Last evaluated: 2024-11-22. Review status: criteria provided, single submitter. Criteria: Invitae Variant Classification Sherloc (09022015). Collection method: clinical testing. Allele origin: germline.
Comment: This sequence change replaces leucine, which is neutral and non-polar, with proline, which is neutral and non-polar, at codon 1523 of the C2CD3 protein (p.Leu1523Pro). This variant is present in population databases (rs764966083, gnomAD 0.05%). This variant has not been reported in the literature in individuals affected with C2CD3-related conditions. ClinVar contains an entry for this variant (Variation ID: 1498274). Invitae Evidence Modeling of protein sequence and biophysical properties (such as structural, functional, and spatial information, amino acid conservation, physicochemical variation, residue mobility, and thermodynamic stability) indicates that this missense variant is expected to disrupt C2CD3 protein function with a positive predictive value of 80%. In summary, the available evidence is currently insufficient to determine the role of this variant in disease. Therefore, it has been classified as a Variant of Uncertain Significance.